The following is an entry in ClinVar:

ClinVar aggregate classification (germline): Likely pathogenic (1 of 4 stars; one submission).

Conditions:
Autosomal recessive nonsyndromic hearing loss 2. Also called: NEUROSENSORY NONSYNDROMIC RECESSIVE DEAFNESS 2; DEAFNESS, AUTOSOMAL RECESSIVE 2. Identifiers: Orphanet 90636, MedGen C1838701, MONDO:0010807, OMIM 600060.

Submission:

Institute of Rare Diseases, West China Hospital, Sichuan University
Classification: Likely pathogenic for Autosomal recessive nonsyndromic hearing loss 2. Last evaluated: 2025-01-09. Review status: criteria provided, single submitter. Criteria: ClinGen HL ACMG Specifications v1. Collection method: research. Allele origin: germline. Affected: yes.
Comment: PM2_Supporting;PM3;PM5;PP1

NM_000260.4(MYO7A):c.5659C>A (p.Pro1887Thr)

Gene: MYO7A (myosin VIIA; plus strand). Cytogenetic location: 11q13.5.
Variant type: single nucleotide variant.
Coding change: c.5659C>A on transcript NM_000260.4 (MANE Select); coding-DNA position 5659, C replaced by A.
Protein change: p.Pro1887Thr; replaces proline 1887 with threonine.
Molecular consequence: missense variant.
Genome position (GRCh38, 1-based): chr11:77,206,119, C>A. VCF-style: chr11-77206119-C-A. GRCh37 (hg19) VCF-style: chr11-76917164-C-A.
Other names: c.5545C>A, p.Pro1849Thr (NM_001127180.2); c.5512C>A, p.Pro1838Thr (NM_001369365.1); short protein forms P1838T, P1849T, P1887T.
Identifiers: ClinVar variation 3601491 (VCV003601491.1).